The following is an entry in ClinVar:

ClinVar aggregate classification (germline): Uncertain significance (1 of 4 stars; one submission).

Allele frequency attached by ClinVar (database versions not stated): ExAC 0.00001.
gnomAD v4.1: 11 of 1,610,728 alleles (0.00068%); highest among the groups gnomAD compares: Non-Finnish European, 0.00093%; no homozygotes.

Submission:

GeneDx
Classification: Uncertain significance. Last evaluated: 2025-08-02. Review status: criteria provided, single submitter. Criteria: GeneDx Variant Classification Process June 2021. Collection method: clinical testing. Allele origin: germline.
Comment: Not observed at significant frequency in large population cohorts (gnomAD); In silico analysis suggests that this missense variant does not alter protein structure/function; Has not been previously published as pathogenic or benign to our knowledge

NM_002609.4(PDGFRB):c.1165G>A (p.Ala389Thr)

Gene: PDGFRB (platelet derived growth factor receptor beta; minus strand). Cytogenetic location: 5q32.
Variant type: single nucleotide variant.
Coding change: c.1165G>A on transcript NM_002609.4 (MANE Select); coding-DNA position 1165, G replaced by A.
Protein change: p.Ala389Thr; replaces alanine 389 with threonine.
Molecular consequence: missense variant.
Genome position (GRCh38, 1-based): chr5:150,132,057, C>T on the plus strand (G>A on the coding strand, the complement: PDGFRB is on the minus strand). VCF-style: chr5-150132057-C-T. GRCh37 (hg19) VCF-style: chr5-149511620-C-T.
Other names: c.973G>A, p.Ala325Thr (NM_001355016.2); c.682G>A, p.Ala228Thr (NM_001355017.2); short protein forms A228T, A325T, A389T.
Identifiers: ClinVar variation 1804356 (VCV001804356.2), dbSNP rs756251957, ClinGen allele CA3508067.